The following is an entry in ClinVar:

NM_016239.4(MYO15A):c.9823A>G (p.Ile3275Val)

Gene: MYO15A (myosin XVA; plus strand). Cytogenetic location: 17p11.2.
Variant type: single nucleotide variant.
Coding change: c.9823A>G on transcript NM_016239.4 (MANE Select); coding-DNA position 9823, A replaced by G.
Protein change: p.Ile3275Val; replaces isoleucine 3275 with valine.
Molecular consequence: missense variant.
Genome position (GRCh38, 1-based): chr17:18,166,396, A>G. VCF-style: chr17-18166396-A-G. GRCh37 (hg19) VCF-style: chr17-18069710-A-G.
Other names: short protein forms I3275V.
Identifiers: ClinVar variation 1490875 (VCV001490875.5), dbSNP rs1253874642, ClinGen allele CA398641483.

ClinVar aggregate classification (germline): Uncertain significance (1 of 4 stars; one submission).

Allele frequency attached by ClinVar (database versions not stated): gnomAD exomes below 0.00001; gnomAD 0.00001; TOPMed 0.00001.
gnomAD v4.1: 20 of 1,613,806 alleles (0.0012%); highest among the groups gnomAD compares: African/African-American, 0.0053%; no homozygotes.

Submission:

Labcorp Genetics (formerly Invitae), Labcorp
Classification: Uncertain significance. Last evaluated: 2022-10-24. Review status: criteria provided, single submitter. Criteria: Invitae Variant Classification Sherloc (09022015). Collection method: clinical testing. Allele origin: germline.
Comment: This sequence change replaces isoleucine, which is neutral and non-polar, with valine, which is neutral and non-polar, at codon 3275 of the MYO15A protein (p.Ile3275Val). This variant is not present in population databases (gnomAD no frequency). This variant has not been reported in the literature in individuals affected with MYO15A-related conditions. ClinVar contains an entry for this variant (Variation ID: 1490875). Advanced modeling of protein sequence and biophysical properties (such as structural, functional, and spatial information, amino acid conservation, physicochemical variation, residue mobility, and thermodynamic stability) performed at Invitae indicates that this missense variant is not expected to disrupt MYO15A protein function. In summary, the available evidence is currently insufficient to determine the role of this variant in disease. Therefore, it has been classified as a Variant of Uncertain Significance.